The following is an entry in ClinVar:

NM_017671.5(FERMT1):c.919T>G (p.Cys307Gly)

Gene: FERMT1 (FERM domain containing kindlin 1; minus strand). Cytogenetic location: 20p12.3.
Variant type: single nucleotide variant.
Coding change: c.919T>G on transcript NM_017671.5 (MANE Select); coding-DNA position 919, T replaced by G.
Protein change: p.Cys307Gly; replaces cysteine 307 with glycine.
Molecular consequence: missense variant.
Genome position (GRCh38, 1-based): chr20:6,097,562, A>C on the plus strand (T>G on the coding strand, the complement: FERMT1 is on the minus strand). VCF-style: chr20-6097562-A-C. GRCh37 (hg19) VCF-style: chr20-6078209-A-C.
Other names: c.919T>G (NM_017671.4); short protein forms C307G.
Identifiers: ClinVar variation 1046812 (VCV001046812.6), dbSNP rs764567711, ClinGen allele CA9758310.

ClinVar aggregate classification (germline): Uncertain significance. Review status: criteria provided, multiple submitters, no conflicts (2 of 4 stars). 2 submissions from 2 submitters: Uncertain significance (2). Last evaluated 2025-07-12.

Conditions:
Inborn genetic diseases. Identifiers: MedGen C0950123, MeSH D030342.

Allele frequency attached by ClinVar (database versions not stated): gnomAD below 0.00001 and 0.00001; gnomAD exomes 0.00001 and 0.00003; ExAC 0.00002; TOPMed 0.00003.
gnomAD v4.1: 12 of 1,613,954 alleles (0.00074%); highest among the groups gnomAD compares: Admixed American, 0.015%; no homozygotes.

Submissions (2):

Ambry Genetics
Classification: Uncertain significance for Inborn genetic diseases. Last evaluated: 2025-07-12. Review status: criteria provided, single submitter. Criteria: Ambry Variant Classification Scheme 2023. Collection method: clinical testing. Allele origin: germline.

Labcorp Genetics (formerly Invitae), Labcorp
Classification: Uncertain significance. Last evaluated: 2024-09-19. Review status: criteria provided, single submitter. Criteria: Invitae Variant Classification Sherloc (09022015). Collection method: clinical testing. Allele origin: germline.
Comment: This sequence change replaces cysteine, which is neutral and slightly polar, with glycine, which is neutral and non-polar, at codon 307 of the FERMT1 protein (p.Cys307Gly). This variant is present in population databases (rs764567711, gnomAD 0.02%). This variant has not been reported in the literature in individuals affected with FERMT1-related conditions. ClinVar contains an entry for this variant (Variation ID: 1046812). Invitae Evidence Modeling of protein sequence and biophysical properties (such as structural, functional, and spatial information, amino acid conservation, physicochemical variation, residue mobility, and thermodynamic stability) indicates that this missense variant is expected to disrupt FERMT1 protein function with a positive predictive value of 80%. In summary, the available evidence is currently insufficient to determine the role of this variant in disease. Therefore, it has been classified as a Variant of Uncertain Significance.